The following is an entry in ClinVar:

ClinVar aggregate classification (germline): Benign (3 of 4 stars; one submission).

Conditions:
Breast-ovarian cancer, familial, susceptibility to, 2 (BROVCA2). Also called: BRCA2 Hereditary Breast and Ovarian Cancer. Identifiers: Orphanet 145, MedGen C2675520, MONDO:0012933, OMIM 612555. Disease mechanism: loss of function.

Allele frequency attached by ClinVar (database versions not stated): 1000 Genomes Project 0.00659; 1000 Genomes Project 30x 0.00734; gnomAD 0.00742 and 0.00812; TOPMed 0.00818.
gnomAD v4.1: 1,612 of 692,674 alleles (0.23%); highest among the groups gnomAD compares: African/African-American, 2.5%; 21 homozygotes.

Submission:

Evidence-based Network for the Interpretation of Germline Mutant Alleles (ENIGMA)
Classification: Benign for Breast-ovarian cancer, familial 2. Last evaluated: 2015-01-12. Review status: reviewed by expert panel. Criteria: ENIGMA BRCA1/2 Classification Criteria (2015). Collection method: curation. Allele origin: germline.
Comment: Class 1 not pathogenic based on frequency >1% in an outbred sampleset. Frequency 0.02642 (African), derived from 1000 genomes (2012-04-30).

NM_000059.4(BRCA2):c.425+123C>T

Gene: BRCA2 (BRCA2 DNA repair associated; plus strand). Cytogenetic location: 13q13.1.
Variant type: single nucleotide variant.
Coding change: c.425+123C>T on transcript NM_000059.4 (MANE Select); 123 bases into the intron after coding-DNA position 425, C replaced by T.
Molecular consequence: intron variant.
Genome position (GRCh38, 1-based): chr13:32,325,307, C>T. VCF-style: chr13-32325307-C-T. GRCh37 (hg19) VCF-style: chr13-32899444-C-T.
Other names: IVS 4+123C>T.
Identifiers: ClinVar variation 209642 (VCV000209642.1), dbSNP rs11571611, ClinGen allele CA276611.